The following is an entry in ClinVar:

NM_015001.3(SPEN):c.9780_9785del (p.3258AP[2])

Gene: SPEN (spen family transcriptional repressor; plus strand). Cytogenetic location: 1p36.13.
Variant type: Deletion.
Coding change: c.9780_9785del on transcript NM_015001.3 (MANE Select); coding-DNA positions 9780 to 9785, 6 bases deleted (TCCTGC; older notation c.9780_9785delTCCTGC).
Protein change: p.3258AP[2].
Genome position (GRCh38, 1-based): chr1:15,936,020-15,936,025, TCCTGC deleted; deleting any 6 consecutive bases within chr1:15,936,015-15,936,025 gives the same sequence; the c. name uses the placement nearest the transcript's 3' end. VCF-style (leftmost placement, unchanged base first): chr1-15936014-CCCTGCT-C. GRCh37 (hg19) VCF-style: chr1-16262509-CCCTGCT-C.
Identifiers: ClinVar variation 3910067 (VCV003910067.7).

ClinVar aggregate classification (germline): Likely benign. Review status: criteria provided, multiple submitters, no conflicts (2 of 4 stars). 2 submissions from 2 submitters: Likely benign (2). Last evaluated 2026-03-01.

Submissions (2):

CeGaT Center for Human Genetics Tuebingen
Classification: Likely benign. Last evaluated: 2026-03-01. Review status: criteria provided, single submitter. Criteria: CeGaT Center For Human Genetics Tuebingen Variant Classification Criteria Version 2. Collection method: clinical testing. Allele origin: germline. Affected: yes. Observed: 3 variant alleles.
Comment: SPEN: BS1

Laboratory of Genetics, Children's Clinical University Hospital Latvia
Classification: Likely benign. Last evaluated: 2025-02-16. Review status: criteria provided, single submitter. Criteria: ACMG Guidelines, 2015. Collection method: clinical testing. Allele origin: germline. Affected: yes.